The following is an entry in ClinVar:

ClinVar aggregate classification (germline): Uncertain significance. Review status: criteria provided, multiple submitters, no conflicts (2 of 4 stars). 2 submissions from 2 submitters: Uncertain significance (2). Last evaluated 2023-10-31.

Conditions:
Hereditary cancer-predisposing syndrome. Also called: Neoplastic Syndromes, Hereditary; Tumor predisposition; Hereditary neoplastic syndrome; Hereditary Cancer Syndrome. Identifiers: Orphanet 140162, MedGen C0027672, MeSH D009386, MONDO:0015356.
Hereditary diffuse gastric adenocarcinoma (HDGC). Also called: DIFFUSE GASTRIC AND LOBULAR BREAST CANCER SYNDROME. Identifiers: Orphanet 26106, MedGen C1708349, MONDO:0007648, OMIM 137215.

Submissions (2):

Ambry Genetics
Classification: Uncertain significance for Hereditary cancer-predisposing syndrome. Last evaluated: 2023-10-31. Review status: criteria provided, single submitter. Criteria: Ambry Variant Classification Scheme 2023. Collection method: clinical testing. Allele origin: germline.
Comment: The c.2295+5G>A intronic variant results from a G to A substitution 5 nucleotides after coding exon 14 in the CDH1 gene. This nucleotide position is well conserved in available vertebrate species. In silico splice site analysis predicts that this alteration will weaken the native splice donor site; however, direct evidence is insufficient at this time (Ambry internal data). Since supporting evidence is limited at this time, the clinical significance of this alteration remains unclear.

Labcorp Genetics (formerly Invitae), Labcorp
Classification: Uncertain significance for Hereditary diffuse gastric adenocarcinoma. Last evaluated: 2022-03-03. Review status: criteria provided, single submitter. Criteria: Invitae Variant Classification Sherloc (09022015). Collection method: clinical testing. Allele origin: germline.
Comment: In summary, the available evidence is currently insufficient to determine the role of this variant in disease. Therefore, it has been classified as a Variant of Uncertain Significance. Variants that disrupt the consensus splice site are a relatively common cause of aberrant splicing (PMID: 17576681, 9536098). Studies have shown that this variant is associated with altered splicing resulting in inclusion of intron 14 sequence (PMID: 11968084). This variant has been observed in individual(s) with hereditary diffuse gastric cancer (PMID: 11968084). This variant is not present in population databases (gnomAD no frequency). This sequence change falls in intron 14 of the CDH1 gene. It does not directly change the encoded amino acid sequence of the CDH1 protein. It affects a nucleotide within the consensus splice site.

Literature cited by the submitters: PubMed 11968084 (cited by Ambry Genetics and Labcorp Genetics (formerly Invitae), Labcorp); PubMed 17576681 (cited by Labcorp Genetics (formerly Invitae), Labcorp); PubMed 9536098 (cited by Labcorp Genetics (formerly Invitae), Labcorp).

NM_004360.5(CDH1):c.2295+5G>A

Gene: CDH1 (cadherin 1; plus strand). Cytogenetic location: 16q22.1.
Variant type: single nucleotide variant.
Coding change: c.2295+5G>A on transcript NM_004360.5 (MANE Select); 5 bases into the intron after coding-DNA position 2295, G replaced by A.
Molecular consequence: intron variant.
Genome position (GRCh38, 1-based): chr16:68,828,309, G>A. VCF-style: chr16-68828309-G-A. GRCh37 (hg19) VCF-style: chr16-68862212-G-A.
Other names: c.747+5G>A (NM_001317185.2); c.330+5G>A (NM_001317186.2); c.2112+5G>A (NM_001317184.2).
Identifiers: ClinVar variation 1789157 (VCV001789157.8), dbSNP rs2152141606, ClinGen allele CA2580092028.